The following is an entry in ClinVar:

ClinVar aggregate classification (germline): Uncertain significance. Review status: criteria provided, multiple submitters, no conflicts (2 of 4 stars). 2 submissions from 2 submitters: Uncertain significance (2). Last evaluated 2021-07-14.

Conditions:
Polycystic kidney disease 4 (PKD4). Also called: POLYCYSTIC KIDNEY DISEASE 4 WITH OR WITHOUT POLYCYSTIC LIVER DISEASE; PKD3; Autosomal Recessive Polycystic Kidney Disease – PKHD1; POLYCYSTIC KIDNEY AND HEPATIC DISEASE 1; POLYCYSTIC KIDNEY DISEASE, INFANTILE, TYPE I. Identifiers: MedGen C4540575, MONDO:0033004, OMIM 263200.
Autosomal recessive polycystic kidney disease (ARPKD). Also called: AR polycystic kidney disease. Identifiers: Orphanet 731, Orphanet 8378, MedGen C0085548, MeSH D017044, MONDO:0009889.

Allele frequency attached by ClinVar (database versions not stated): gnomAD exomes below 0.00001.
gnomAD v4.1: 1 of 1,613,872 alleles (0.000062%); highest among the groups gnomAD compares: Non-Finnish European, 0.000085%; no homozygotes.

Submissions (2):

Fulgent Genetics
Classification: Uncertain significance for Polycystic kidney disease 4. Last evaluated: 2021-07-14. Review status: criteria provided, single submitter. Criteria: ACMG Guidelines, 2015. Collection method: clinical testing. Allele origin: unknown.

Labcorp Genetics (formerly Invitae), Labcorp
Classification: Uncertain significance for Autosomal recessive polycystic kidney disease. Last evaluated: 2018-09-26. Review status: criteria provided, single submitter. Criteria: Invitae Variant Classification Sherloc (09022015). Collection method: clinical testing. Allele origin: germline.
Comment: This sequence change replaces leucine with serine at codon 2946 of the PKHD1 protein (p.Leu2946Ser). The leucine residue is highly conserved and there is a large physicochemical difference between leucine and serine. In summary, the available evidence is currently insufficient to determine the role of this variant in disease. Therefore, it has been classified as a Variant of Uncertain Significance. Algorithms developed to predict the effect of missense changes on protein structure and function are either unavailable or do not agree on the potential impact of this missense change (SIFT: "Deleterious"; PolyPhen-2: "Probably Damaging"; Align-GVGD: "Class C0"). This variant has not been reported in the literature in individuals with PKHD1-related disease. This variant is not present in population databases (ExAC no frequency).

NM_138694.4(PKHD1):c.8837T>C (p.Leu2946Ser)

Gene: PKHD1 (PKHD1 ciliary IPT domain containing fibrocystin/polyductin; minus strand). Cytogenetic location: 6p12.3.
Variant type: single nucleotide variant.
Coding change: c.8837T>C on transcript NM_138694.4 (MANE Select); coding-DNA position 8837, T replaced by C.
Protein change: p.Leu2946Ser; replaces leucine 2946 with serine.
Molecular consequence: missense variant.
Genome position (GRCh38, 1-based): chr6:51,753,314, A>G on the plus strand (T>C on the coding strand, the complement: PKHD1 is on the minus strand). VCF-style: chr6-51753314-A-G. GRCh37 (hg19) VCF-style: chr6-51618112-A-G.
Other names: c.8837T>C, p.Leu2946Ser (NM_170724.3); short protein forms L2946S.
Identifiers: ClinVar variation 662555 (VCV000662555.10), dbSNP rs1582469785, ClinGen allele CA364427104.
Genomic context (GRCh38, chr6:51,753,314, plus strand): 5'-CTACATGATACGTCAGGCTGAATTTGTATATTTCGGGTCAACAGTCCAACCTCAGCAGCC[A>G]AACGAATGTGTCGGCCATCCTCCGTGACATGTACACTTCCTGGGGCAATAGGAGTTGTGG-3'
Protein context (NP_619639.3, residues 2936-2956): HVTEDGRHIR[Leu2946Ser]AAEVGLLTRN